The following is an entry in ClinVar:

NC_000005.10:g.112707463G>A

Gene: APC (APC regulator of Wnt signaling pathway; plus strand). Cytogenetic location: 5q22.2.
Variant type: single nucleotide variant.
Genome position: GRCh38 VCF-style: chr5-112707463-G-A. GRCh37 (hg19) VCF-style: chr5-112043160-G-A.
Identifiers: ClinVar variation 2731802 (VCV002731802.3), dbSNP rs1580995745, ClinGen allele CA2674863454.

ClinVar aggregate classification (germline): Uncertain significance (1 of 4 stars; one submission).

Conditions:
Familial adenomatous polyposis 1 (FAP1). Also called: FAMILIAL ADENOMATOUS POLYPOSIS 1, ATTENUATED; POLYPOSIS, ADENOMATOUS INTESTINAL. Identifiers: MedGen C2713442, MONDO:0021056, OMIM 175100. Disease mechanism: loss of function.

Submission:

Labcorp Genetics (formerly Invitae), Labcorp
Classification: Uncertain significance for Familial adenomatous polyposis 1. Last evaluated: 2023-02-15. Review status: criteria provided, single submitter. Criteria: Invitae Variant Classification Sherloc (09022015). Collection method: clinical testing. Allele origin: germline.
Comment: This variant occurs in a non-coding region of the APC gene. It does not change the encoded amino acid sequence of the APC protein. This variant is not present in population databases (gnomAD no frequency). This variant has not been reported in the literature in individuals affected with APC-related conditions. Experimental studies and prediction algorithms are not available or were not evaluated, and the functional significance of this variant is currently unknown. In summary, the available evidence is currently insufficient to determine the role of this variant in disease. Therefore, it has been classified as a Variant of Uncertain Significance.